The following is an entry in ClinVar:

NM_001184.4(ATR):c.5836A>G (p.Asn1946Asp)

Gene: ATR (ATR checkpoint kinase; minus strand). Cytogenetic location: 3q23.
Variant type: single nucleotide variant.
Coding change: c.5836A>G on transcript NM_001184.4 (MANE Select); coding-DNA position 5836, A replaced by G.
Protein change: p.Asn1946Asp; replaces asparagine 1946 with aspartic acid.
Molecular consequence: missense variant.
Genome position (GRCh38, 1-based): chr3:142,496,423, T>C on the plus strand (A>G on the coding strand, the complement: ATR is on the minus strand). VCF-style: chr3-142496423-T-C. GRCh37 (hg19) VCF-style: chr3-142215265-T-C.
Other names: c.5644A>G, p.Asn1882Asp (NM_001354579.2); short protein forms N1882D, N1946D.
Identifiers: ClinVar variation 2846500 (VCV002846500.3), dbSNP rs2473154791, ClinGen allele CA354813428.

ClinVar aggregate classification (germline): Uncertain significance (1 of 4 stars; one submission).

Submission:

Labcorp Genetics (formerly Invitae), Labcorp
Classification: Uncertain significance. Last evaluated: 2023-03-17. Review status: criteria provided, single submitter. Criteria: Invitae Variant Classification Sherloc (09022015). Collection method: clinical testing. Allele origin: germline.
Comment: In summary, the available evidence is currently insufficient to determine the role of this variant in disease. Therefore, it has been classified as a Variant of Uncertain Significance. An algorithm developed to predict the effect of missense changes on protein structure and function (PolyPhen-2) suggests that this variant is likely to be disruptive. This variant has not been reported in the literature in individuals affected with ATR-related conditions. This sequence change replaces asparagine, which is neutral and polar, with aspartic acid, which is acidic and polar, at codon 1946 of the ATR protein (p.Asn1946Asp). This variant is not present in population databases (gnomAD no frequency).